The following is an entry in ClinVar:

ClinVar aggregate classification (germline): Uncertain significance (1 of 4 stars; one submission).

Conditions:
Possible mitochondrial disorder - nuclear genes.

gnomAD v4.1: 28 of 1,556,428 alleles (0.0018%); highest among the groups gnomAD compares: Non-Finnish European, 0.0024%; no homozygotes.

Submission:

Genetics Laboratory, Great Ormond Street Hospital NHS Foundation Trust, North Thames Genomic Laboratory Hub
Classification: Uncertain significance for Possible mitochondrial disorder - nuclear genes. Last evaluated: 2025-08-13. Review status: criteria provided, single submitter. Criteria: ACGS Best Practice Guidelines for Variant Classification in Rare Disease 2024 v1.2. Collection method: clinical testing. Allele origin: germline. Affected: yes.
Comment: PVS1_strong

NM_001010867.4(IBA57):c.679+1G>T

Gene: IBA57 (iron-sulfur cluster assembly factor IBA57; plus strand). Cytogenetic location: 1q42.13.
Variant type: single nucleotide variant.
Coding change: c.679+1G>T on transcript NM_001010867.4 (MANE Select); the canonical splice donor site of the intron after coding-DNA position 679, G replaced by T.
Molecular consequence: splice donor variant.
Genome position (GRCh38, 1-based): chr1:228,175,030, G>T. VCF-style: chr1-228175030-G-T. GRCh37 (hg19) VCF-style: chr1-228362731-G-T.
Other names: c.100+1G>T (NM_001310327.2).
Identifiers: ClinVar variation 4279644 (VCV004279644.1).